The following is an entry in ClinVar:

NM_000642.3(AGL):c.2158-18_2158-16del

Gene: AGL (amylo-alpha-1,6-glucosidase and 4-alpha-glucanotransferase; plus strand). Cytogenetic location: 1p21.2.
Variant type: Microsatellite.
Coding change: c.2158-18_2158-16del on transcript NM_000642.3 (MANE Select); 18 bases into the intron before coding-DNA position 2158 through 16 bases into the intron before coding-DNA position 2158, 3 bases deleted (GTT; older notation c.2158-18_2158-16delGTT).
Molecular consequence: intron variant.
Genome position (GRCh38, 1-based): chr1:99,881,523-99,881,525, GTT deleted; deleting any 3 consecutive bases within chr1:99,881,520-99,881,525 gives the same sequence; the c. name uses the placement nearest the transcript's 3' end. VCF-style (leftmost placement, unchanged base first): chr1-99881519-AGTT-A. GRCh37 (hg19) VCF-style: chr1-100347075-AGTT-A.
Other names: c.2158-18_2158-16delGTT (NM_000642.2); c.2158-18_2158-16del (NM_000643.3, NM_000644.3, NM_001425326.1 and 2 more transcripts); c.2110-18_2110-16del (NM_000646.3); c.1957-18_1957-16del (NM_001425327.1); c.1954-18_1954-16del (NM_001425328.1, NM_001425329.1); c.1780-18_1780-16del (NM_001425332.1).
Identifiers: ClinVar variation 422718 (VCV000422718.12), dbSNP rs770934299, ClinGen allele CA966704.
Genomic context (GRCh38, chr1:99,881,519, plus strand): 5'-TTAAATTTGTTTCTTCAGGTTCAATTTCAGAGTAAGTCTTTCCAGTTTGAGAGCTAATCT[AGTT>A]GTTCTTTCTGCTTCTCAGGTGTATGTGGATCAAGTTGATGAAGACATAGTGGCAGTAACA-3'

ClinVar aggregate classification (germline): Likely benign. Review status: criteria provided, multiple submitters, no conflicts (2 of 4 stars). 5 submissions from 5 submitters: Likely benign (5). Last evaluated 2026-01-27.

Conditions:
Glycogen storage disease type III (GSD3). Also called: Cori disease; FORBES DISEASE. Identifiers: Orphanet 366, MedGen C0017922, MONDO:0009291, OMIM 232400.

Submissions (5):

Labcorp Genetics (formerly Invitae), Labcorp
Classification: Likely benign for Glycogen storage disease type III. Last evaluated: 2026-01-27. Review status: criteria provided, single submitter. Criteria: Invitae Variant Classification Sherloc (09022015). Collection method: clinical testing. Allele origin: germline.

Blueprint Genetics
Classification: Likely benign. Last evaluated: 2024-03-11. Review status: criteria provided, single submitter. Criteria: ACMG Guidelines, 2015. Collection method: clinical testing. Allele origin: germline.

Genome-Nilou Lab
Classification: Likely benign for Glycogen storage disease type III. Last evaluated: 2023-04-11. Review status: criteria provided, single submitter. Criteria: ACMG Guidelines, 2015. Collection method: clinical testing. Allele origin: germline. Affected: no.

ARUP Laboratories, Molecular Genetics and Genomics, ARUP Laboratories
Classification: Likely benign. Last evaluated: 2022-12-21. Review status: criteria provided, single submitter. Criteria: ARUP Molecular Germline Variant Investigation Process 2024. Collection method: clinical testing. Allele origin: germline.

GeneDx
Classification: Likely benign. Last evaluated: 2017-11-25. Review status: criteria provided, single submitter. Criteria: GeneDx Variant Classification (06012015). Collection method: clinical testing. Allele origin: germline. Affected: yes.
Comment: This variant is considered likely benign or benign based on one or more of the following criteria: it is a conservative change, it occurs at a poorly conserved position in the protein, it is predicted to be benign by multiple in silico algorithms, and/or has population frequency not consistent with disease.